The following is an entry in ClinVar:

NM_000059.4(BRCA2):c.4538A>G (p.Asp1513Gly)

Gene: BRCA2 (BRCA2 DNA repair associated; plus strand). Cytogenetic location: 13q13.1.
Variant type: single nucleotide variant.
Coding change: c.4538A>G on transcript NM_000059.4 (MANE Select); coding-DNA position 4538, A replaced by G.
Protein change: p.Asp1513Gly; replaces aspartic acid 1513 with glycine.
Molecular consequence: missense variant.
Genome position (GRCh38, 1-based): chr13:32,338,893, A>G. VCF-style: chr13-32338893-A-G. GRCh37 (hg19) VCF-style: chr13-32913030-A-G.
Other names: c.4538A>G (NM_000059.3); short protein forms D1513G.
Identifiers: ClinVar variation 1472467 (VCV001472467.10), dbSNP rs1566230577, ClinGen allele CA387781732.

ClinVar aggregate classification (germline): Conflicting classifications of pathogenicity. Review status: criteria provided, conflicting classifications (1 of 4 stars). 3 submissions from 3 submitters: Uncertain significance (1); Likely benign (2). Last evaluated 2025-05-12.

Conditions:
Hereditary cancer-predisposing syndrome. Also called: Neoplastic Syndromes, Hereditary; Hereditary Cancer Syndrome; Tumor predisposition; Hereditary neoplastic syndrome. Identifiers: Orphanet 140162, MedGen C0027672, MeSH D009386, MONDO:0015356.
Hereditary breast ovarian cancer syndrome. Also called: Breast and ovarian cancer; Hereditary breast and ovarian cancer; Hereditary breast and ovarian cancer syndrome; Hereditary breast and ovarian cancer syndrome (HBOC); BRCA1- and BRCA2-Associated Hereditary Breast and Ovarian Cancer; Hereditary breast and/or ovarian cancer syndrome. Identifiers: Orphanet 145, MedGen C0677776, MeSH D061325, MONDO:0003582. Disease mechanism: loss of function.

Submissions (3):

Ambry Genetics
Classification: Likely benign for Hereditary cancer-predisposing syndrome. Last evaluated: 2025-05-12. Review status: criteria provided, single submitter. Criteria: Ambry Variant Classification Scheme 2023. Collection method: clinical testing. Allele origin: germline.

University of Washington Department of Laboratory Medicine, University of Washington
Classification: Likely benign for Hereditary cancer-predisposing syndrome. Last evaluated: 2023-03-23. Review status: criteria provided, single submitter. Criteria: Dines et al. (Genet Med. 2020). Collection method: curation. Allele origin: germline.
Comment: Missense variant in a coldspot region where missense variants are very unlikely to be pathogenic (PMID:31911673).

BRCA2 exon 11 coldspot. Reclassification based on statistical prior probability.

Labcorp Genetics (formerly Invitae), Labcorp
Classification: Uncertain significance for Hereditary breast ovarian cancer syndrome. Last evaluated: 2021-01-15. Review status: criteria provided, single submitter. Criteria: Invitae Variant Classification Sherloc (09022015). Collection method: clinical testing. Allele origin: germline.
Comment: This variant is not present in population databases (ExAC no frequency). In summary, the available evidence is currently insufficient to determine the role of this variant in disease. Therefore, it has been classified as a Variant of Uncertain Significance. Advanced modeling of protein sequence and biophysical properties (such as structural, functional, and spatial information, amino acid conservation, physicochemical variation, residue mobility, and thermodynamic stability) performed at Invitae indicates that this missense variant is not expected to disrupt BRCA2 protein function. This variant has not been reported in the literature in individuals with BRCA2-related conditions. This sequence change replaces aspartic acid with glycine at codon 1513 of the BRCA2 protein (p.Asp1513Gly). The aspartic acid residue is weakly conserved and there is a moderate physicochemical difference between aspartic acid and glycine.